The following is an entry in ClinVar:

ClinVar aggregate classification (germline): Likely pathogenic (1 of 4 stars; one submission).

Conditions:
Dilated cardiomyopathy 1G (CMD1G). Identifiers: Orphanet 154, MedGen C1858763, MONDO:0011400, OMIM 604145.
Autosomal recessive limb-girdle muscular dystrophy type 2J (LGMDR10). Also called: Limb-girdle muscular dystrophy, type 2J; MUSCULAR DYSTROPHY, LIMB-GIRDLE, AUTOSOMAL RECESSIVE 10. Identifiers: Orphanet 140922, MedGen C1837342, MONDO:0012127, OMIM 608807.

Submission:

Labcorp Genetics (formerly Invitae), Labcorp
Classification: Likely pathogenic for Dilated cardiomyopathy 1G; Autosomal recessive limb-girdle muscular dystrophy type 2J. Last evaluated: 2024-01-29. Review status: criteria provided, single submitter. Criteria: Invitae Variant Classification Sherloc (09022015). Collection method: clinical testing. Allele origin: germline.
Comment: This sequence change creates a premature translational stop signal (p.Ser21866Valfs*4) in the TTN gene. While this is not anticipated to result in nonsense mediated decay, it is expected to create a truncated TTN protein. This variant is not present in population databases (gnomAD no frequency). This variant has not been reported in the literature in individuals affected with TTN-related conditions. This variant is located in the A band of TTN (PMID: 25589632). Truncating variants in this region are significantly overrepresented in patients affected with dilated cardiomyopathy (PMID: 25589632). Truncating variants in this region have also been reported in individuals affected with autosomal recessive centronuclear myopathy (PMID: 23975875). In summary, the currently available evidence indicates that the variant is pathogenic, but additional data are needed to prove that conclusively. Therefore, this variant has been classified as Likely Pathogenic.

Literature cited by the submitters: PubMed 25589632; PubMed 23975875.

NM_001267550.2(TTN):c.65595del (p.Ser21866fs)

Genes: TTN-AS1 (TTN antisense RNA 1; plus strand), TTN (titin; minus strand). Cytogenetic location: 2q31.2.
Variant type: Deletion.
Coding change: c.65595del on transcript NM_001267550.2 (MANE Select); coding-DNA position 65595, one base deleted (G; older notation c.65595delG).
Protein change: p.Ser21866fs; shifts the reading frame from serine 21866.
Molecular consequence: frameshift variant.
Genome position (GRCh38, 1-based): chr2:178,583,208, C deleted on the plus strand (G on the coding strand, the reverse complement: TTN is on the minus strand). VCF-style (leftmost placement, unchanged base first): chr2-178583207-TC-T. GRCh37 (hg19) VCF-style: chr2-179447934-TC-T.
Other names: c.60672del, p.Ser20225fs (NM_001256850.1); c.38400del, p.Ser12801fs (NM_003319.4); c.57891del, p.Ser19298fs (NM_133378.4); c.38775del, p.Ser12926fs (NM_133432.3); c.38976del, p.Ser12993fs (NM_133437.4); short protein forms S19298fs, S20225fs, S12993fs, S12926fs, S12801fs, S21866fs.
Identifiers: ClinVar variation 2922687 (VCV002922687.3), dbSNP rs2469069253, ClinGen allele CA2740096056.
Genomic context (GRCh38, chr2:178,583,207, plus strand): 5'-TAGCATCCAAGCAGACATTAGTTCCAGCTTTCACAGTAAGCAAAGATTTCATAGCCACAC[TC>T]AGGTCTATCCTGGGAGGGACTGGAAAGAAATAAGATAAAGGACTTAATGTATGCAAAGCT-3'